The following is an entry in ClinVar:

ClinVar aggregate classification (germline): Uncertain significance (1 of 4 stars; one submission).

Submission:

Labcorp Genetics (formerly Invitae), Labcorp
Classification: Uncertain significance. Last evaluated: 2024-05-09. Review status: criteria provided, single submitter. Criteria: Invitae Variant Classification Sherloc (09022015). Collection method: clinical testing. Allele origin: germline.
Comment: This sequence change falls in intron 3 of the PSENEN gene. It does not directly change the encoded amino acid sequence of the PSENEN protein. It affects a nucleotide within the consensus splice site. This variant is not present in population databases (gnomAD no frequency). This variant has not been reported in the literature in individuals affected with PSENEN-related conditions. Variants that disrupt the consensus splice site are a relatively common cause of aberrant splicing (PMID: 17576681, 9536098). Algorithms developed to predict the effect of sequence changes on RNA splicing suggest that this variant may disrupt the consensus splice site. In summary, the available evidence is currently insufficient to determine the role of this variant in disease. Therefore, it has been classified as a Variant of Uncertain Significance.

Literature cited by the submitters: PubMed 17576681; PubMed 9536098.

NM_172341.4(PSENEN):c.166+6_166+12del

Gene: PSENEN (presenilin enhancer, gamma-secretase subunit; plus strand). Cytogenetic location: 19q13.12.
Variant type: Deletion.
Coding change: c.166+6_166+12del on transcript NM_172341.4 (MANE Select); bases 6 to 12 of the intron after coding-DNA position 166, 7 bases deleted (TCTAGAG; older notation c.166+6_166+12delTCTAGAG).
Molecular consequence: intron variant.
Genome position (GRCh38, 1-based): chr19:35,746,529-35,746,535, TCTAGAG deleted; deleting any 7 consecutive bases within chr19:35,746,526-35,746,535 gives the same sequence; the c. name uses the placement nearest the transcript's 3' end. VCF-style (leftmost placement, unchanged base first): chr19-35746525-TGAGTCTA-T. GRCh37 (hg19) VCF-style: chr19-36237426-TGAGTCTA-T.
Other names: c.166+6_166+12del (NM_001281532.3).
Identifiers: ClinVar variation 3614150 (VCV003614150.2).